The following is an entry in ClinVar:

NM_001378454.1(ALMS1):c.4024G>T (p.Val1342Phe)

Gene: ALMS1 (ALMS1 centrosome and basal body associated protein; plus strand). Cytogenetic location: 2p13.1.
Variant type: single nucleotide variant.
Coding change: c.4024G>T on transcript NM_001378454.1 (MANE Select); coding-DNA position 4024, G replaced by T.
Protein change: p.Val1342Phe; replaces valine 1342 with phenylalanine.
Molecular consequence: missense variant.
Genome position (GRCh38, 1-based): chr2:73,450,551, G>T. VCF-style: chr2-73450551-G-T. GRCh37 (hg19) VCF-style: chr2-73677678-G-T.
Other names: c.4027G>T, p.Val1343Phe (NM_015120.4); short protein forms V1342F, V1343F.
Identifiers: ClinVar variation 2133958 (VCV002133958.4), dbSNP rs751346260, ClinGen allele CA347277301.

ClinVar aggregate classification (germline): Uncertain significance (1 of 4 stars; one submission).

Conditions:
Alstrom syndrome (ALMS). Identifiers: Orphanet 64, MedGen C0268425, MONDO:0008763, OMIM 203800.

Allele frequency attached by ClinVar (database versions not stated): 1000 Genomes Project 30x 0.00141.

Submission:

Labcorp Genetics (formerly Invitae), Labcorp
Classification: Uncertain significance for Alstrom syndrome. Last evaluated: 2023-12-07. Review status: criteria provided, single submitter. Criteria: Invitae Variant Classification Sherloc (09022015). Collection method: clinical testing. Allele origin: germline.
Comment: This sequence change replaces valine, which is neutral and non-polar, with phenylalanine, which is neutral and non-polar, at codon 1343 of the ALMS1 protein (p.Val1343Phe). This variant is not present in population databases (gnomAD no frequency). This variant has not been reported in the literature in individuals affected with ALMS1-related conditions. ClinVar contains an entry for this variant (Variation ID: 2133958). Experimental studies and prediction algorithms are not available or were not evaluated, and the functional significance of this variant is currently unknown. In summary, the available evidence is currently insufficient to determine the role of this variant in disease. Therefore, it has been classified as a Variant of Uncertain Significance.